The following is an entry in ClinVar:

NM_001042492.3(NF1):c.4831C>G (p.Arg1611Gly)

Gene: NF1 (neurofibromin 1; plus strand). Cytogenetic location: 17q11.2.
Variant type: single nucleotide variant.
Coding change: c.4831C>G on transcript NM_001042492.3 (MANE Select); coding-DNA position 4831, C replaced by G.
Protein change: p.Arg1611Gly; replaces arginine 1611 with glycine.
Molecular consequence: missense variant.
Genome position (GRCh38, 1-based): chr17:31,265,335, C>G. VCF-style: chr17-31265335-C-G. GRCh37 (hg19) VCF-style: chr17-29592353-C-G.
Other names: c.4768C>G, p.Arg1590Gly (NM_000267.4); short protein forms R1611G, R1590G.
Identifiers: ClinVar variation 4037973 (VCV004037973.1).

ClinVar aggregate classification (germline): Uncertain significance (1 of 4 stars; one submission).

Conditions:
Cardiovascular phenotype. Identifiers: MedGen CN230736.
Hereditary cancer-predisposing syndrome. Also called: Neoplastic Syndromes, Hereditary; Tumor predisposition; Hereditary neoplastic syndrome; Hereditary Cancer Syndrome. Identifiers: Orphanet 140162, MedGen C0027672, MeSH D009386, MONDO:0015356.

Submission:

Ambry Genetics
Classification: Uncertain significance for Cardiovascular phenotype; Hereditary cancer-predisposing syndrome. Last evaluated: 2025-06-10. Review status: criteria provided, single submitter. Criteria: Ambry Variant Classification Scheme 2023. Collection method: clinical testing. Allele origin: germline.
Comment: The p.R1590G variant (also known as c.4768C>G), located in coding exon 35 of the NF1 gene, results from a C to G substitution at nucleotide position 4768. The arginine at codon 1590 is replaced by glycine, an amino acid with dissimilar properties. This amino acid position is conserved. In addition, this alteration is predicted to be deleterious by in silico analysis. Based on the available evidence, the clinical significance of this variant remains unclear.